The following is an entry in ClinVar:

ClinVar aggregate classification (germline): Uncertain significance (1 of 4 stars; one submission).

Conditions:
Hereditary cancer-predisposing syndrome. Also called: Tumor predisposition; Neoplastic Syndromes, Hereditary; Hereditary Cancer Syndrome; Hereditary neoplastic syndrome. Identifiers: Orphanet 140162, MedGen C0027672, MeSH D009386, MONDO:0015356.

Submission:

Ambry Genetics
Classification: Uncertain significance for Hereditary cancer-predisposing syndrome. Last evaluated: 2024-08-01. Review status: criteria provided, single submitter. Criteria: Ambry Variant Classification Scheme 2023. Collection method: clinical testing. Allele origin: germline.
Comment: The p.T150I variant (also known as c.449C>T), located in coding exon 6 of the BRCA1 gene, results from a C to T substitution at nucleotide position 449. The threonine at codon 150 is replaced by isoleucine, an amino acid with similar properties. This amino acid position is not well conserved in available vertebrate species. In addition, this alteration is predicted to be deleterious by in silico analysis. Based on the available evidence, the clinical significance of this variant remains unclear.

NM_007294.4(BRCA1):c.449C>T (p.Thr150Ile)

Gene: BRCA1 (BRCA1 DNA repair associated; minus strand). Cytogenetic location: 17q21.31.
Variant type: single nucleotide variant.
Coding change: c.449C>T on transcript NM_007294.4 (MANE Select); coding-DNA position 449, C replaced by T.
Protein change: p.Thr150Ile; replaces threonine 150 with isoleucine.
Molecular consequence: missense variant. On other transcripts: intron variant (2).
Genome position (GRCh38, 1-based): chr17:43,099,873, G>A on the plus strand (C>T on the coding strand, the complement: BRCA1 is on the minus strand). VCF-style: chr17-43099873-G-A. GRCh37 (hg19) VCF-style: chr17-41251890-G-A.
Other names: c.308C>T, p.Thr103Ile (NM_001407926.1, NM_001407927.1, NM_001407928.1 and 61 more transcripts); c.305C>T, p.Thr102Ile (NM_001407930.1, NM_001407931.1, NM_001407932.1 and 35 more transcripts); c.449C>T, p.Thr150Ile (NM_001407937.1, NM_001407938.1, NM_001407939.1 and 96 more transcripts); c.446C>T, p.Thr149Ile (NM_001407940.1, NM_001407941.1, NM_001407972.1 and 65 more transcripts); c.239C>T, p.Thr80Ile (NM_001407946.1, NM_001407947.1, NM_001407948.1 and 37 more transcripts); c.236C>T, p.Thr79Ile (NM_001407954.1, NM_001407955.1, NM_001407956.1 and 18 more transcripts); c.68C>T, p.Thr23Ile (NM_001407959.1, NM_001407960.1, NM_001407963.1 and 3 more transcripts); c.65C>T, p.Thr22Ile (NM_001407962.1); and 5 more; short protein forms T103I, T147I, T79I, T124I, T23I, T80I, T149I, T150I.
Identifiers: ClinVar variation 3481803 (VCV003481803.1).
Genomic context (GRCh38, chr17:43,099,873, plus strand): 5'-CGCTGCTTTGTCCTCAGAGTTCTCACAGTTCCAAGGTTAGAGAGTTGGACACTGAGACTG[G>A]TTTCCTGCTAAACAGTATGGTAAAGAACAGTCAAGCAATTGTTGGCCAGTTCTGTGCTTT-3'
Protein context (NP_009225.1, residues 140-160): SEPENPSLQE[Thr150Ile]SLSVQLSNLG